The following is an entry in ClinVar:

NM_000329.3(RPE65):c.1444G>A (p.Asp482Asn)

Gene: RPE65 (retinoid isomerohydrolase RPE65; minus strand). Cytogenetic location: 1p31.3.
Variant type: single nucleotide variant.
Coding change: c.1444G>A on transcript NM_000329.3 (MANE Select); coding-DNA position 1444, G replaced by A.
Protein change: p.Asp482Asn; replaces aspartic acid 482 with asparagine.
Molecular consequence: missense variant.
Genome position (GRCh38, 1-based): chr1:68,431,071, C>T on the plus strand (G>A on the coding strand, the complement: RPE65 is on the minus strand). VCF-style: chr1-68431071-C-T. GRCh37 (hg19) VCF-style: chr1-68896754-C-T.
Other names: NM_000329.3:c.1444G>A; c.1336G>A, p.Asp446Asn (NM_001406853.1); c.1168G>A, p.Asp390Asn (NM_001406856.1, NM_001406857.1); short protein forms D390N, D446N, D482N.
Identifiers: ClinVar variation 3233349 (VCV003233349.3), dbSNP rs2100806802, ClinGen allele CA340741708.

ClinVar aggregate classification (germline): Pathogenic. Review status: reviewed by expert panel (3 of 4 stars). 2 submissions from 2 submitters: Pathogenic (1). 1 of the submissions does not count toward it. Last evaluated 2026-06-23.

Conditions:
RPE65-related recessive retinopathy. Also called: Recessive RPE65 retinopathy. Identifiers: MedGen CN305526, MONDO:0100368.

Submissions (2):

ClinGen Leber Congenital Amaurosis/early Onset Retinal Dystrophy Variant Curation Expert Panel, ClinGen
Classification: Pathogenic for RPE65-related recessive retinopathy. Last evaluated: 2026-06-23. Review status: reviewed by expert panel. Criteria: ClinGen LCAeoRD ACMG Specifications RPE65 V1.0.0. Collection method: curation. Allele origin: germline. Inheritance: Autosomal recessive inheritance.
Comment: NM_000329.3(RPE65):c.1444G>A (p.Asp482Asn) is a missense variant predicted to replace aspartic acid with asparagine at codon 482. This variant is absent from gnomAD v4.1.1 (PM2_Supporting). This variant has been reported in at least 2 probands with early-onset severe retinal dystrophy who were compound heterozygous with either the NM_000329.3(RPE65):c.1543C>T (p.Arg515Trp) or NM_000329.3(RPE65):c.806_809delinsTGGAGCCATGAAG (p.Ser269MetfsTer4) variants confirmed in trans, which were both previously classified pathogenic by the ClinGen LCA / eoRD VCEP (2 total points, PMID: 34830511, PMID: 33952291, PM3_Strong). One genotype was published twice by two independent groups, but it has only been counted once as it is not clear whether the two probands might be the same or related individuals (PMID: 34830511, PMID: 33952291). At least one proband harboring this variant exhibits a phenotype including diagnosis of retinitis pigmentosa with symptomatic onset between birth and age five years (1 pt), severely decreased rod electroretinogram (0.5 pt), evidence of cone involvement on electroretinogram (1 pt), reduced central visual acuity (1 pt), white/yellow dots on color photography of the type seen in fundus albipunctatus in the context of severe retinal dysfunction (2 pt), night blindness (0.5 pts), and genotyping by next-generation sequencing gene panel of 586 IRD-related genes that did not provide an alternative explanation for visual impairment (2 pt), which together are highly specific for RPE65-related recessive retinopathy (8 points, PMID: 33952291, PMID: 34830511, PP4_Moderate). The variant has been reported to segregate with childhood-onset severe retinal dystrophy through the proband plus 1 similarly affected relative, with the variant present in the compound heterozygous state (PMID: 33952291, PP1). The computational predictor REVEL gives a score of 0.946, which is above the ClinGen LCA / eoRD VCEP threshold of ≥0.773 and predicts a damaging effect on RPE65 function (PP3_Moderate). In summary, this variant meets the criteria to be classified as Pathogenic for RPE65-related recessive retinopathy based on the ACMG/AMP criteria applied, as specified by the ClinGen LCA / eoRD VCEP: PM2_Supporting, PM3_Strong, PP1, PP3_Moderate, and PP4_Moderate. (VCEP specifications version 1.0.0; date of approval 09/21/2023).

Women's Health and Genetics/Laboratory Corporation of America, LabCorp
Classification: Uncertain significance. Last evaluated: 2025-02-05. Review status: criteria provided, single submitter. Criteria: LabCorp Variant Classification Summary - May 2015. Collection method: clinical testing. Allele origin: germline. Not counted in ClinVar's aggregate classification.
Comment: Variant summary: RPE65 c.1444G>A (p.Asp482Asn) results in a conservative amino acid change in the encoded protein sequence. Four of five in-silico tools predict a damaging effect of the variant on protein function. The variant was absent in 250806 control chromosomes. c.1444G>A has been reported in the literature at a compound heterozygous state along with two different second variants in at-least three individuals affected with early-onset severe retinal dystrophy (Gao_2021, Li_COL4A5_2023, Shi_2021, Xu_2020). These data indicate that the variant may be associated with disease. To our knowledge, no experimental evidence demonstrating an impact on protein function has been reported. The following publications have been ascertained in the context of this evaluation (PMID: 33952291, 36729443, 34830511, 31630094). ClinVar contains an entry for this variant (Variation ID: 3233349). Based on the evidence outlined above, the variant was classified as VUS-possibly pathogenic.

Literature cited by the submitters: PubMed 31630094 (cited by Women's Health and Genetics/Laboratory Corporation of America, LabCorp); PubMed 36729443 (cited by Women's Health and Genetics/Laboratory Corporation of America, LabCorp); PubMed 33952291 (cited by Women's Health and Genetics/Laboratory Corporation of America, LabCorp); PubMed 34830511 (cited by Women's Health and Genetics/Laboratory Corporation of America, LabCorp).